The following is an entry in ClinVar:

ClinVar aggregate classification (germline): Pathogenic (1 of 4 stars; one submission).

Conditions:
Amyotrophic lateral sclerosis type 6. Also called: FUS-Related Amyotrophic Laterial Sclerosis; AMYOTROPHIC LATERAL SCLEROSIS 6 WITHOUT FRONTOTEMPORAL DEMENTIA; Amyotrophic lateral sclerosis 6, with or without frontotemporal dementia. Identifiers: Orphanet 275872, Orphanet 803, MedGen C2931786, MONDO:0011951, OMIM 608030.
Tremor, hereditary essential, 4 (ETM4). Identifiers: MedGen C3539195, MONDO:0013888, OMIM 614782.

Submission:

Labcorp Genetics (formerly Invitae), Labcorp
Classification: Pathogenic for Tremor, hereditary essential, 4; Amyotrophic lateral sclerosis type 6. Last evaluated: 2023-03-07. Review status: criteria provided, single submitter. Criteria: Invitae Variant Classification Sherloc (09022015). Collection method: clinical testing. Allele origin: germline.
Comment: This sequence change creates a premature translational stop signal (p.Met511Asnfs*6) in the FUS gene. While this is not anticipated to result in nonsense mediated decay, it is expected to disrupt the last 16 amino acid(s) of the FUS protein. This variant is not present in population databases (gnomAD no frequency). This variant has not been reported in the literature in individuals affected with FUS-related conditions. This variant disrupts a region of the FUS protein in which other variant(s) (p.Arg521Gly) have been determined to be pathogenic (PMID: 19251627, 20606625, 22055719, 23577159, 24204307, 25324524; Invitae). This suggests that this is a clinically significant region of the protein, and that variants that disrupt it are likely to be disease-causing. For these reasons, this variant has been classified as Pathogenic.

Literature cited by the submitters: PubMed 19251627; PubMed 20606625; PubMed 22055719; PubMed 23577159; PubMed 24204307; PubMed 25324524.

NM_004960.4(FUS):c.1531dup (p.Met511fs)

Gene: FUS (FUS RNA binding protein; plus strand). Cytogenetic location: 16p11.2.
Variant type: Duplication.
Coding change: c.1531dup on transcript NM_004960.4 (MANE Select); coding-DNA position 1531, one base duplicated (A; older notation c.1531dupA).
Protein change: p.Met511fs; shifts the reading frame from methionine 511.
Molecular consequence: frameshift variant. On other transcripts: non-coding transcript variant (1).
Genome position (GRCh38, 1-based): chr16:31,191,100, A duplicated. VCF-style (leftmost placement, unchanged base first): chr16-31191099-G-GA. GRCh37 (hg19) VCF-style: chr16-31202420-G-GA.
Other names: c.1528dup, p.Met510fs (NM_001170634.1); c.1519dup, p.Met507fs (NM_001170937.1); short protein forms M507fs, M510fs, M511fs.
Identifiers: ClinVar variation 2945054 (VCV002945054.3), dbSNP rs2544279594, ClinGen allele CA2740093310.